The following is an entry in ClinVar:

ClinVar aggregate classification (germline): Uncertain significance. Review status: criteria provided, multiple submitters, no conflicts (2 of 4 stars). 3 submissions from 3 submitters: Uncertain significance (3). Last evaluated 2026-07-06.

Conditions:
Hereditary cancer-predisposing syndrome. Also called: Hereditary neoplastic syndrome; Neoplastic Syndromes, Hereditary; Tumor predisposition; Hereditary Cancer Syndrome. Identifiers: Orphanet 140162, MedGen C0027672, MeSH D009386, MONDO:0015356.
Retinoblastoma (RB1). Also called: RETINOBLASTOMA, SOMATIC. Identifiers: Orphanet 790, MedGen C0035335, MeSH D012175, MONDO:0008380, OMIM 180200, HP:0009919. Disease mechanism: loss of function. Inheritance: Both sporadic and heritable forms are tested..

gnomAD v4.1: 1 of 1,613,854 alleles (0.000062%); no homozygotes.

Submissions (3):

Ambry Genetics
Classification: Uncertain significance for Hereditary cancer-predisposing syndrome. Last evaluated: 2026-07-06. Review status: criteria provided, single submitter. Criteria: Ambry Variant Classification Scheme 2023. Collection method: clinical testing. Allele origin: germline.
Comment: The p.P786H variant (also known as c.2357C>A), located in coding exon 23 of the RB1 gene, results from a C to A substitution at nucleotide position 2357. The proline at codon 786 is replaced by histidine, an amino acid with similar properties. This amino acid position is conserved. In addition, the in silico prediction for this alteration is inconclusive. Based on the available evidence, the clinical significance of this variant remains unclear.

All of Us Research Program, National Institutes of Health
Classification: Uncertain significance for Retinoblastoma. Last evaluated: 2024-08-06. Review status: criteria provided, single submitter. Criteria: ACMG Guidelines, 2015. Collection method: clinical testing. Allele origin: germline. Inheritance: Autosomal dominant inheritance. Observed: 1 variant allele, 1 heterozygote.
Comment: This study involves interpretation of variants in research participants for the purpose of population health screening. Participant phenotype was not available at the time of variant classification. Additional details can be found in publication PMID: 35346344, PMCID: PMC8962531

Labcorp Genetics (formerly Invitae), Labcorp
Classification: Uncertain significance for Retinoblastoma. Last evaluated: 2022-07-09. Review status: criteria provided, single submitter. Criteria: Invitae Variant Classification Sherloc (09022015). Collection method: clinical testing. Allele origin: germline.
Comment: Algorithms developed to predict the effect of missense changes on protein structure and function (SIFT, PolyPhen-2, Align-GVGD) all suggest that this variant is likely to be disruptive. In summary, the available evidence is currently insufficient to determine the role of this variant in disease. Therefore, it has been classified as a Variant of Uncertain Significance. This variant has not been reported in the literature in individuals affected with RB1-related conditions. This sequence change replaces proline, which is neutral and non-polar, with histidine, which is basic and polar, at codon 786 of the RB1 protein (p.Pro786His). This variant is not present in population databases (gnomAD no frequency).

NM_000321.3(RB1):c.2357C>A (p.Pro786His)

Gene: RB1 (RB transcriptional corepressor 1; plus strand). Cytogenetic location: 13q14.2.
Variant type: single nucleotide variant.
Coding change: c.2357C>A on transcript NM_000321.3 (MANE Select); coding-DNA position 2357, C replaced by A.
Protein change: p.Pro786His; replaces proline 786 with histidine.
Molecular consequence: missense variant.
Genome position (GRCh38, 1-based): chr13:48,465,236, C>A. VCF-style: chr13-48465236-C-A. GRCh37 (hg19) VCF-style: chr13-49039372-C-A.
Other names: c.2357C>A, p.Pro786His (NM_001407165.1); short protein forms P786H.
Identifiers: ClinVar variation 1992724 (VCV001992724.6), dbSNP rs778755215, ClinGen allele CA388167814.
Genomic context (GRCh38, chr13:48,465,236, plus strand): 5'-AATAATCTACTTTTTTGTTTTTGCTCTAGCCCCCTACCTTGTCACCAATACCTCACATTC[C>A]TCGAAGCCCTTACAAGTTTCCTAGTTCACCCTTACGGATTCCTGGAGGGAACATCTATAT-3'
Protein context (NP_000312.2, residues 776-796): PPTLSPIPHI[Pro786His]RSPYKFPSSP